The following is an entry in ClinVar:

ClinVar aggregate classification (germline): Likely benign. Review status: criteria provided, multiple submitters, no conflicts (2 of 4 stars). 3 submissions from 3 submitters: Likely benign (3). Last evaluated 2025-12-23.

Conditions:
SLC26A1-related disorder. Also called: SLC26A1-related condition.

Allele frequency attached by ClinVar (database versions not stated): ExAC 0.00003; gnomAD exomes 0.00003; ESP Exome Variant Server 0.00008; gnomAD 0.00021 and 0.00024.
gnomAD v4.1: 76 of 1,551,928 alleles (0.0049%); highest among the groups gnomAD compares: Admixed American, 0.072%; no homozygotes.

Submissions (3):

PreventionGenetics, part of Exact Sciences
Classification: Likely benign for SLC26A1-related condition. Last evaluated: 2025-12-23. Review status: criteria provided, single submitter. Criteria: ACMG Guidelines, 2015. Collection method: clinical testing. Allele origin: germline.
Comment: This variant is classified as likely benign based on ACMG/AMP sequence variant interpretation guidelines (Richards et al. 2015 PMID: 25741868, with internal and published modifications).

Labcorp Genetics (formerly Invitae), Labcorp
Classification: Likely benign. Last evaluated: 2025-08-31. Review status: criteria provided, single submitter. Criteria: Invitae Variant Classification Sherloc (09022015). Collection method: clinical testing. Allele origin: germline.

Blueprint Genetics
Classification: Likely benign. Last evaluated: 2024-10-04. Review status: criteria provided, single submitter. Criteria: ACMG Guidelines, 2015. Collection method: clinical testing. Allele origin: germline.

NM_022042.4(SLC26A1):c.555G>A (p.Thr185=)

Genes: IDUA (alpha-L-iduronidase; plus strand), SLC26A1 (solute carrier family 26 member 1; minus strand). Cytogenetic location: 4p16.3.
Variant type: single nucleotide variant.
Coding change: c.555G>A on transcript NM_022042.4 (MANE Select); coding-DNA position 555, G replaced by A.
Protein change: p.Thr185=; no amino-acid change (threonine 185 retained).
Molecular consequence: synonymous variant. On other transcripts: intron variant (1).
Genome position (GRCh38, 1-based): chr4:991,149, C>T on the plus strand (G>A on the coding strand, the complement: SLC26A1 is on the minus strand). VCF-style: chr4-991149-C-T. GRCh37 (hg19) VCF-style: chr4-984937-C-T.
Other names: c.555G>A, p.Thr185= (NM_134425.4, NM_213613.4); c.299+3200C>T (NM_000203.5); c.555G>A (NM_022042.3).
Identifiers: ClinVar variation 1669458 (VCV001669458.10), dbSNP rs151180930, ClinGen allele CA2801631.